The following is an entry in ClinVar:

ClinVar aggregate classification (germline): Uncertain significance (1 of 4 stars; one submission).

Allele frequency attached by ClinVar (database versions not stated): gnomAD exomes below 0.00001; TOPMed 0.00001.
gnomAD v4.1: 2 of 1,613,406 alleles (0.00012%); highest among the groups gnomAD compares: Admixed American, 0.0017%; no homozygotes.

Submission:

Laboratory for Molecular Medicine, Mass General Brigham Personalized Medicine
Classification: Uncertain significance. Last evaluated: 2012-02-10. Review status: criteria provided, single submitter. Criteria: LMM Criteria. Collection method: clinical testing. Allele origin: germline. Observed: 1 variant allele.
Comment: The Gly3579Asp variant (TTN) has not been previously reported nor previously ide ntified by our laboratory. Another variant at this position (Gly3579Val) has bee n identified in 1/3014 African American chromosomes from a broad population by t he NHLBI Exome Sequencing Project. Computatio nal tools are limited or unavailable for this variant. In summary, the clinical significance of this variant cannot be determined at this time.

NM_001267550.2(TTN):c.11450G>A (p.Gly3817Asp)

Gene: TTN (titin; minus strand). Cytogenetic location: 2q31.2.
Variant type: single nucleotide variant.
Coding change: c.11450G>A on transcript NM_001267550.2 (MANE Select); coding-DNA position 11450, G replaced by A.
Protein change: p.Gly3817Asp; replaces glycine 3817 with aspartic acid.
Molecular consequence: missense variant. On other transcripts: intron variant (1).
Genome position (GRCh38, 1-based): chr2:178,741,783, C>T on the plus strand (G>A on the coding strand, the complement: TTN is on the minus strand). VCF-style: chr2-178741783-C-T. GRCh37 (hg19) VCF-style: chr2-179606510-C-T.
Other names: c.10736G>A, p.Gly3579Asp (NM_133432.3); c.10499G>A, p.Gly3500Asp (NM_001256850.1); c.10361G>A, p.Gly3454Asp (NM_003319.4); c.10937G>A, p.Gly3646Asp (NM_133437.4); c.10361-3423G>A (NM_133378.4); short protein forms G3817D, G3579D, G3500D, G3646D, G3454D.
Identifiers: ClinVar variation 47808 (VCV000047808.5), dbSNP rs371056587, ClinGen allele CA141943.